The following is an entry in ClinVar:

NM_007118.4(TRIO):c.6568C>T (p.Leu2190Phe)

Gene: TRIO (trio Rho guanine nucleotide exchange factor; plus strand). Cytogenetic location: 5p15.2.
Variant type: single nucleotide variant.
Coding change: c.6568C>T on transcript NM_007118.4 (MANE Select); coding-DNA position 6568, C replaced by T.
Protein change: p.Leu2190Phe; replaces leucine 2190 with phenylalanine.
Molecular consequence: missense variant. On other transcripts: non-coding transcript variant (1).
Genome position (GRCh38, 1-based): chr5:14,482,684, C>T. VCF-style: chr5-14482684-C-T. GRCh37 (hg19) VCF-style: chr5-14482793-C-T.
Other names: short protein forms L2190F.
Identifiers: ClinVar variation 1517635 (VCV001517635.8), dbSNP rs982795600, ClinGen allele CA114002814.

ClinVar aggregate classification (germline): Uncertain significance (1 of 4 stars; one submission).

Allele frequency attached by ClinVar (database versions not stated): gnomAD 0.00001; TOPMed 0.00001.
gnomAD v4.1: 1 of 1,611,732 alleles (0.000062%); highest among the groups gnomAD compares: African/African-American, 0.0013%; no homozygotes.

Submission:

Labcorp Genetics (formerly Invitae), Labcorp
Classification: Uncertain significance. Last evaluated: 2021-07-04. Review status: criteria provided, single submitter. Criteria: Invitae Variant Classification Sherloc (09022015). Collection method: clinical testing. Allele origin: germline.
Comment: This sequence change replaces leucine with phenylalanine at codon 2190 of the TRIO protein (p.Leu2190Phe). The leucine residue is highly conserved and there is a small physicochemical difference between leucine and phenylalanine. This variant is not present in population databases (ExAC no frequency). This variant has not been reported in the literature in individuals affected with TRIO-related conditions. Advanced modeling of protein sequence and biophysical properties (such as structural, functional, and spatial information, amino acid conservation, physicochemical variation, residue mobility, and thermodynamic stability) performed at Invitae indicates that this missense variant is not expected to disrupt TRIO protein function. In summary, the available evidence is currently insufficient to determine the role of this variant in disease. Therefore, it has been classified as a Variant of Uncertain Significance.